The following is an entry in ClinVar:

ClinVar aggregate classification (germline): Uncertain significance. Review status: criteria provided, multiple submitters, no conflicts (2 of 4 stars). 4 submissions from 4 submitters: Uncertain significance (3). 1 of the submissions does not count toward it. Last evaluated 2026-09-17.

Conditions:
Factor I deficiency (CFID). Also called: Complement factor I deficiency. Identifiers: Orphanet 200418, MedGen C3463916, MONDO:0012594, OMIM 610984.
Atypical hemolytic-uremic syndrome. Identifiers: Orphanet 2134, MedGen C2931788, MONDO:0016244.

Allele frequency attached by ClinVar (database versions not stated): gnomAD exomes 0.00001; TOPMed 0.00017.
gnomAD v4.1: 31 of 1,614,052 alleles (0.0019%); highest among the groups gnomAD compares: Non-Finnish European, 0.0011%; 1 homozygote.

Submissions (4):

Genomenon, Inc
Classification: Uncertain significance for Atypical hemolytic-uremic syndrome. Last evaluated: 2026-09-17. Review status: criteria provided, single submitter. Criteria: Genomenon Sequence Variant Interpretation Standards - Updated. Collection method: curation. Allele origin: germline. Affected: yes.
Comment: CFI p.Tyr459Ser (c.1376A>C) is a missense variant that changes the amino acid at codon 459 from Tyrosine to Serine. This variant has been observed in at least one proband affected with atypical hemolytic-uremic syndrome (PMID:20016463). Functional studies have been reported (PMID:32510551). This variant is located in a mutational hotspot and/or important functional domain. It is absent or not present at a significant frequency in gnomAD. In conclusion, we classify CFI p.Tyr459Ser (c.1376A>C) as a variant of uncertain significance.

Labcorp Genetics (formerly Invitae), Labcorp
Classification: Uncertain significance. Last evaluated: 2025-03-30. Review status: criteria provided, single submitter. Criteria: Invitae Variant Classification Sherloc (09022015). Collection method: clinical testing. Allele origin: germline.
Comment: This sequence change replaces tyrosine, which is neutral and polar, with serine, which is neutral and polar, at codon 459 of the CFI protein (p.Tyr459Ser). This variant is present in population databases (no rsID available, gnomAD 0.0009%). This missense change has been observed in individual(s) with atypical hemolytic uremic syndrome or age-related macular degeneration (PMID: 23431077, 24036952). ClinVar contains an entry for this variant (Variation ID: 1504039). Invitae Evidence Modeling of protein sequence and biophysical properties (such as structural, functional, and spatial information, amino acid conservation, physicochemical variation, residue mobility, and thermodynamic stability) indicates that this missense variant is expected to disrupt CFI protein function with a positive predictive value of 80%. Experimental studies have shown that this missense change affects CFI function (PMID: 32510551). In summary, the available evidence is currently insufficient to determine the role of this variant in disease. Therefore, it has been classified as a Variant of Uncertain Significance.

Blueprint Genetics
Classification: Uncertain significance. Last evaluated: 2018-06-11. Review status: criteria provided, single submitter. Criteria: ACMG Guidelines, 2015. Collection method: clinical testing. Allele origin: germline.

Neil Romberg Laboratory, Children's Hospital of Philadelphia
Classification: Pathogenic for Factor I deficiency. Last evaluated: 2025-07-24. Review status: no assertion criteria provided. Collection method: research. Allele origin: germline. Affected: yes. Not counted in ClinVar's aggregate classification.
Comment: NM_000204.5 c.1376A>C, p.Y459S is a missense sense variant in CFI. The variant has a high CADD phred score (24.7) and has been demonstrated to confer a loss of function via a iC3b deposition assay (PMID:40602690). The variant is rare in gnoMAD among non-Amish subjects but enriched ~4000 fold in the Amish community. 11 Amish patients homozygous for this variant with infectious, autoimmune and/or neuroinflammatory symptoms have been reported (PMID:40602690).

Literature cited by the submitters: PubMed 20016463 (cited by Genomenon, Inc); PubMed 32510551 (cited by Genomenon, Inc and Labcorp Genetics (formerly Invitae), Labcorp); PubMed 23431077 (cited by Labcorp Genetics (formerly Invitae), Labcorp); PubMed 24036952 (cited by Labcorp Genetics (formerly Invitae), Labcorp); PubMed 40602690 (cited by Neil Romberg Laboratory, Children's Hospital of Philadelphia).

NM_000204.5(CFI):c.1376A>C (p.Tyr459Ser)

Gene: CFI (complement factor I; minus strand). Cytogenetic location: 4q25.
Variant type: single nucleotide variant.
Coding change: c.1376A>C on transcript NM_000204.5 (MANE Select); coding-DNA position 1376, A replaced by C.
Protein change: p.Tyr459Ser; replaces tyrosine 459 with serine.
Molecular consequence: missense variant. On other transcripts: non-coding transcript variant (2).
Genome position (GRCh38, 1-based): chr4:109,746,275, T>G on the plus strand (A>C on the coding strand, the complement: CFI is on the minus strand). VCF-style: chr4-109746275-T-G. GRCh37 (hg19) VCF-style: chr4-110667431-T-G.
Other names: c.1400A>C, p.Tyr467Ser (NM_001318057.2, NM_001375278.1); c.1355A>C, p.Tyr452Ser (NM_001331035.2, NM_001375280.1, NM_001375282.1); c.1376A>C, p.Tyr459Ser (NM_001375279.1, NM_001375281.1); c.1319A>C, p.Tyr440Ser (NM_001375283.1); c.767A>C, p.Tyr256Ser (NM_001375284.1); short protein forms Y440S, Y256S, Y452S, Y459S, Y467S.
Identifiers: ClinVar variation 1504039 (VCV001504039.12), dbSNP rs989210294, ClinGen allele CA103689317.